The following is an entry in ClinVar:

ClinVar aggregate classification (germline): Uncertain significance (1 of 4 stars; one submission).

Allele frequency attached by ClinVar (database versions not stated): ExAC 0.00001; gnomAD 0.00003; TOPMed 0.00003; ESP Exome Variant Server 0.00008; gnomAD exomes 0.00011.
gnomAD v4.1: 162 of 1,614,124 alleles (0.01%); highest among the groups gnomAD compares: Non-Finnish European, 0.013%; no homozygotes.

Submission:

Labcorp Genetics (formerly Invitae), Labcorp
Classification: Uncertain significance. Last evaluated: 2022-04-17. Review status: criteria provided, single submitter. Criteria: Invitae Variant Classification Sherloc (09022015). Collection method: clinical testing. Allele origin: germline.
Comment: This sequence change replaces alanine, which is neutral and non-polar, with valine, which is neutral and non-polar, at codon 772 of the LRRK1 protein (p.Ala772Val). This variant is present in population databases (rs373497333, gnomAD 0.003%). This variant has not been reported in the literature in individuals affected with LRRK1-related conditions. Algorithms developed to predict the effect of missense changes on protein structure and function are either unavailable or do not agree on the potential impact of this missense change (SIFT: "Tolerated"; PolyPhen-2: "Probably Damaging"; Align-GVGD: "Class C0"). In summary, the available evidence is currently insufficient to determine the role of this variant in disease. Therefore, it has been classified as a Variant of Uncertain Significance.

NM_024652.6(LRRK1):c.2315C>T (p.Ala772Val)

Gene: LRRK1 (leucine rich repeat kinase 1; plus strand). Cytogenetic location: 15q26.3.
Variant type: single nucleotide variant.
Coding change: c.2315C>T on transcript NM_024652.6 (MANE Select); coding-DNA position 2315, C replaced by T.
Protein change: p.Ala772Val; replaces alanine 772 with valine.
Molecular consequence: missense variant.
Genome position (GRCh38, 1-based): chr15:101,026,047, C>T. VCF-style: chr15-101026047-C-T. GRCh37 (hg19) VCF-style: chr15-101566252-C-T.
Other names: short protein forms A772V.
Identifiers: ClinVar variation 2140409 (VCV002140409.1), dbSNP rs373497333, ClinGen allele CA7761189.
Genomic context (GRCh38, chr15:101,026,047, plus strand): 5'-TGCTGGTGGTCGGGACGCACCTGGATTTAATTGAAGCCAAGTTCCGTGTGGAAAGGATTG[C>T]AACGCTGCGTGCCTATGTGCTGGCACTCTGCCGCTCCCCCTCCGGCTCCAGGGCCACAGG-3'
Protein context (NP_078928.3, residues 762-782): IEAKFRVERI[Ala772Val]TLRAYVLALC